The following is an entry in ClinVar:

NM_004329.3(BMPR1A):c.1296C>T (p.Ser432=)

Gene: BMPR1A (bone morphogenetic protein receptor type 1A; plus strand). Cytogenetic location: 10q23.2.
Variant type: single nucleotide variant.
Coding change: c.1296C>T on transcript NM_004329.3 (MANE Select); coding-DNA position 1296, C replaced by T.
Protein change: p.Ser432=; no amino-acid change (serine 432 retained).
Molecular consequence: synonymous variant.
Genome position (GRCh38, 1-based): chr10:86,921,649, C>T. VCF-style: chr10-86921649-C-T. GRCh37 (hg19) VCF-style: chr10-88681406-C-T.
Identifiers: ClinVar variation 416809 (VCV000416809.24), dbSNP rs1060504907, ClinGen allele CA16613224.

ClinVar aggregate classification (germline): Benign/Likely benign. Review status: criteria provided, multiple submitters, no conflicts (2 of 4 stars). 8 submissions from 8 submitters: Benign (1); Likely benign (6). 1 of the submissions does not count toward it. Last evaluated 2025-02-06.

Conditions:
Hereditary cancer-predisposing syndrome. Also called: Hereditary neoplastic syndrome; Hereditary Cancer Syndrome; Tumor predisposition; Neoplastic Syndromes, Hereditary. Identifiers: Orphanet 140162, MedGen C0027672, MeSH D009386, MONDO:0015356.
Juvenile polyposis syndrome (JPS). Identifiers: Orphanet 2929, MedGen C0345893, MONDO:0017380, OMIM 174900.
Carcinoma of colon (CRC). Also called: Colon carcinoma; Colonic carcinoma. Identifiers: MedGen C0699790, MONDO:0002032.

Allele frequency attached by ClinVar (database versions not stated): gnomAD exomes below 0.00001 and 0.00001; gnomAD 0.00001; TOPMed 0.00001.
gnomAD v4.1: 6 of 1,614,094 alleles (0.00037%); highest among the groups gnomAD compares: Non-Finnish European, 0.00051%; no homozygotes.

Submissions (8):

Institute for Biomarker Research, Medical Diagnostic Laboratories, L.L.C.
Classification: Likely benign for Hereditary cancer-predisposing syndrome. Last evaluated: 2025-02-06. Review status: criteria provided, single submitter. Criteria: ACMG Guidelines, 2015. Collection method: clinical testing. Allele origin: germline.
Comment: The synonymous variant NM_004329.3(BMPR1A):c.1296C>T (p.Ser432=) has been reported to ClinVar as Benign/Likely benign with a status of (2 stars) criteria provided, multiple submitters, no conflicts (Variation ID 416809 as of 2025-01-02). The p.Ser432= variant is novel (not in any individuals) in 1kG. The p.Ser432= variant is not predicted to disrupt an existing splice site. For these reasons, this variant has been classified as Likely Benign.

Myriad Genetics, Inc.
Classification: Benign for Juvenile polyposis syndrome. Last evaluated: 2024-08-07. Review status: criteria provided, single submitter. Criteria: Myriad Autosomal Dominant, Autosomal Recessive and X-Linked Classification Criteria (2023). Collection method: clinical testing. Allele origin: unknown.
Comment: This variant is considered benign. This variant is a silent/synonymous amino acid change and it is not expected to impact splicing.

Labcorp Genetics (formerly Invitae), Labcorp
Classification: Likely benign for Juvenile polyposis syndrome. Last evaluated: 2024-08-05. Review status: criteria provided, single submitter. Criteria: Invitae Variant Classification Sherloc (09022015). Collection method: clinical testing. Allele origin: germline.

All of Us Research Program, National Institutes of Health
Classification: Likely benign for Juvenile polyposis syndrome. Last evaluated: 2023-06-26. Review status: criteria provided, single submitter. Criteria: ACMG Guidelines, 2015. Collection method: clinical testing. Allele origin: germline. Inheritance: Autosomal dominant inheritance. Observed: 2 variant alleles, 2 heterozygotes.
Comment: This study involves interpretation of variants in research participants for the purpose of population health screening. Participant phenotype was not available at the time of variant classification. Additional details can be found in publication PMID: 35346344, PMCID: PMC8962531

GeneDx
Classification: Likely benign. Last evaluated: 2019-03-19. Review status: criteria provided, single submitter. Criteria: GeneDx Variant Classification Process June 2021. Collection method: clinical testing. Allele origin: germline. Affected: yes.

Color Diagnostics, LLC DBA Color Health
Classification: Likely benign for Hereditary cancer-predisposing syndrome. Last evaluated: 2018-01-25. Review status: criteria provided, single submitter. Criteria: ACMG Guidelines, 2015. Collection method: clinical testing. Allele origin: germline.

Ambry Genetics
Classification: Likely benign for Hereditary cancer-predisposing syndrome. Last evaluated: 2015-09-18. Review status: criteria provided, single submitter. Criteria: Ambry Variant Classification Scheme 2023. Collection method: clinical testing. Allele origin: germline.

Department of Pathology and Laboratory Medicine, Sinai Health System
Classification: Likely benign for Carcinoma of colon. Review status: no assertion criteria provided. Collection method: clinical testing. Allele origin: unknown. Affected: yes. Observed: 1 variant allele. Study: The Canadian Open Genetics Repository (COGR). Not counted in ClinVar's aggregate classification.
Comment: The BMPR1A p.Ser432Ser variant was not identified in the literature nor was it identified in the dbSNP or LOVD 3.0 databases. The variant was identified in ClinVar (classified as likely benign by Invitae and GeneDx). The variant was identified in control databases in 2 of 277246 chromosomes at a frequency of 0.000007 (Genome Aggregation Database Feb 27, 2017). The variant was observed in the European population in 2 of 126732 chromosomes (freq: 0.000016), but not in the African, Other, Latino, Ashkenazi Jewish, East Asian, Finnish or South Asian populations. The p.Ser432Ser variant is not expected to have clinical significance because it does not result in a change of amino acid and is not located in a known consensus splice site. In addition, in silico or computational prediction software programs (SpliceSiteFinder, MaxEntScan, NNSPLICE, GeneSplicer) do not predict a difference in splicing. In summary, based on the above information, the clinical significance of this variant cannot be determined with certainty at this time although we would lean towards a more benign role for this variant. This variant is classified as likely benign.